The following is an entry in ClinVar:

NM_007294.4(BRCA1):c.706A>G (p.Thr236Ala)

Gene: BRCA1 (BRCA1 DNA repair associated; minus strand). Cytogenetic location: 17q21.31.
Variant type: single nucleotide variant.
Coding change: c.706A>G on transcript NM_007294.4 (MANE Select); coding-DNA position 706, A replaced by G.
Protein change: p.Thr236Ala; replaces threonine 236 with alanine.
Molecular consequence: missense variant. On other transcripts: intron variant (13), 5 prime UTR variant (2).
Genome position (GRCh38, 1-based): chr17:43,094,825, T>C on the plus strand (A>G on the coding strand, the complement: BRCA1 is on the minus strand). VCF-style: chr17-43094825-T-C. GRCh37 (hg19) VCF-style: chr17-41246842-T-C.
Other names: c.706A>G, p.Thr236Ala (NM_001407854.1, NM_001407858.1, NM_001407859.1 and 53 more transcripts); c.703A>G, p.Thr235Ala (NM_001407860.1, NM_001407861.1, NM_001408473.1 and 38 more transcripts); c.505A>G, p.Thr169Ala (NM_001407862.1, NM_001408474.1, NM_001408476.1); c.583A>G, p.Thr195Ala (NM_001408427.1, NM_001407863.1, NM_001408428.1 and 34 more transcripts); c.502A>G, p.Thr168Ala (NM_001407874.1, NM_001407875.1, NM_001408475.1); c.496A>G, p.Thr166Ala (NM_001407881.1, NM_001407882.1, NM_001407884.1 and 25 more transcripts); c.493A>G, p.Thr165Ala (NM_001407895.1, NM_001407894.1, NM_001408490.1 and 12 more transcripts); c.580A>G, p.Thr194Ala (NM_001408433.1, NM_001408434.1, NM_001408432.1 and 20 more transcripts); and 20 more; short protein forms T108A, T188A, T194A, T209A, T233A, T125A, T148A, T166A.
Identifiers: ClinVar variation 3261494 (VCV003261494.1).

ClinVar aggregate classification (germline): Uncertain significance (1 of 4 stars; one submission).

Conditions:
Hereditary cancer-predisposing syndrome. Also called: Hereditary Cancer Syndrome; Tumor predisposition; Hereditary neoplastic syndrome; Neoplastic Syndromes, Hereditary. Identifiers: Orphanet 140162, MedGen C0027672, MeSH D009386, MONDO:0015356.

Submission:

Ambry Genetics
Classification: Uncertain significance for Hereditary cancer-predisposing syndrome. Last evaluated: 2024-06-19. Review status: criteria provided, single submitter. Criteria: Ambry Variant Classification Scheme 2023. Collection method: clinical testing. Allele origin: germline.
Comment: The p.T236A variant (also known as c.706A>G), located in coding exon 9 of the BRCA1 gene, results from an A to G substitution at nucleotide position 706. The threonine at codon 236 is replaced by alanine, an amino acid with similar properties. This amino acid position is not well conserved in available vertebrate species. In addition, the in silico prediction for this alteration is inconclusive. Based on the available evidence, the clinical significance of this variant remains unclear.